The following is an entry in ClinVar:

ClinVar aggregate classification (germline): Uncertain significance. Review status: criteria provided, multiple submitters, no conflicts (2 of 4 stars). 2 submissions from 2 submitters: Uncertain significance (2). Last evaluated 2026-03-23.

Conditions:
ALG1-congenital disorder of glycosylation. Also called: CONGENITAL DISORDER OF GLYCOSYLATION, TYPE Ik; CDG Ik; ALG1-CDG. Identifiers: Orphanet 79327, MedGen C2931005, MONDO:0012052, OMIM 608540.

gnomAD v4.1: 7 of 1,614,204 alleles (0.00043%); highest among the groups gnomAD compares: South Asian, 0.0055%; no homozygotes.

Submissions (2):

GeneDx
Classification: Uncertain significance. Last evaluated: 2026-03-23. Review status: criteria provided, single submitter. Criteria: GeneDx Variant Classification Process June 2021. Collection method: clinical testing. Allele origin: germline.
Comment: Not observed at significant frequency in large population cohorts (gnomAD); In silico analysis suggests that this missense variant does not alter protein structure/function; Has not been previously published as pathogenic or benign to our knowledge

Labcorp Genetics (formerly Invitae), Labcorp
Classification: Uncertain significance for ALG1-congenital disorder of glycosylation. Last evaluated: 2025-12-25. Review status: criteria provided, single submitter. Criteria: Invitae Variant Classification Sherloc (09022015). Collection method: clinical testing. Allele origin: germline.
Comment: This sequence change replaces asparagine, which is neutral and polar, with serine, which is neutral and polar, at codon 80 of the ALG1 protein (p.Asn80Ser). This variant is present in population databases (rs199522859, gnomAD 0.01%). This variant has not been reported in the literature in individuals affected with ALG1-related conditions. An algorithm developed to predict the effect of missense changes on protein structure and function outputs the following: PolyPhen-2: "Benign". The serine amino acid residue is found in multiple mammalian species, which suggests that this missense change does not adversely affect protein function. In summary, the available evidence is currently insufficient to determine the role of this variant in disease. Therefore, it has been classified as a Variant of Uncertain Significance.

NM_019109.5(ALG1):c.239A>G (p.Asn80Ser)

Gene: ALG1 (ALG1 chitobiosyldiphosphodolichol beta-mannosyltransferase; plus strand). Cytogenetic location: 16p13.3.
Variant type: single nucleotide variant.
Coding change: c.239A>G on transcript NM_019109.5 (MANE Select); coding-DNA position 239, A replaced by G.
Protein change: p.Asn80Ser; replaces asparagine 80 with serine.
Molecular consequence: missense variant. On other transcripts: 5 prime UTR variant (1).
Genome position (GRCh38, 1-based): chr16:5,072,981, A>G. VCF-style: chr16-5072981-A-G. GRCh37 (hg19) VCF-style: chr16-5122982-A-G.
Other names: c.239A>G (NM_019109.4); c.-95A>G (NM_001330504.2); c.239A>G, p.Asn80Ser (NM_001438123.1); short protein forms N80S.
Identifiers: ClinVar variation 4770747 (VCV004770747.2).